The following is an entry in ClinVar:

NM_006259.3(PRKG2):c.540G>A (p.Met180Ile)

Genes: PRKG2 (protein kinase cGMP-dependent 2; minus strand), PRKG2-AS1 (PRKG2 antisense RNA 1; plus strand). Cytogenetic location: 4q21.21.
Variant type: single nucleotide variant.
Coding change: c.540G>A on transcript NM_006259.3 (MANE Select); coding-DNA position 540, G replaced by A.
Protein change: p.Met180Ile; replaces methionine 180 with isoleucine.
Molecular consequence: missense variant.
Genome position (GRCh38, 1-based): chr4:81,174,881, C>T on the plus strand (G>A on the coding strand, the complement: PRKG2 is on the minus strand). VCF-style: chr4-81174881-C-T. GRCh37 (hg19) VCF-style: chr4-82096035-C-T.
Other names: c.540G>A, p.Met180Ile (NM_001282485.2, NM_001363401.2); short protein forms M180I.
Identifiers: ClinVar variation 3041869 (VCV003041869.2), dbSNP rs145769252, ClinGen allele CA2983945.

ClinVar aggregate classification (germline): Likely benign (0 of 4 stars; one submission).

Conditions:
PRKG2-related disorder. Also called: PRKG2-related condition.

Allele frequency attached by ClinVar (database versions not stated): 1000 Genomes Project 0.00060; 1000 Genomes Project 30x 0.00109; ExAC 0.00161; gnomAD 0.00185; TOPMed 0.00201; ESP Exome Variant Server 0.00261; gnomAD exomes 0.00290.

Submission:

PreventionGenetics, part of Exact Sciences
Classification: Likely benign for PRKG2-related condition. Last evaluated: 2019-12-17. Review status: no assertion criteria provided. Collection method: clinical testing. Allele origin: germline.
Comment: This variant is classified as likely benign based on ACMG/AMP sequence variant interpretation guidelines (Richards et al. 2015 PMID: 25741868, with internal and published modifications).